The following is an entry in ClinVar:

NM_000195.5(HPS1):c.1787G>T (p.Gly596Val)

Gene: HPS1 (HPS1 biogenesis of lysosomal organelles complex 3 subunit 1; minus strand). Cytogenetic location: 10q24.2.
Variant type: single nucleotide variant.
Coding change: c.1787G>T on transcript NM_000195.5 (MANE Select); coding-DNA position 1787, G replaced by T.
Protein change: p.Gly596Val; replaces glycine 596 with valine.
Molecular consequence: missense variant.
Genome position (GRCh38, 1-based): chr10:98,420,115, C>A on the plus strand (G>T on the coding strand, the complement: HPS1 is on the minus strand). VCF-style: chr10-98420115-C-A. GRCh37 (hg19) VCF-style: chr10-100179872-C-A.
Other names: NM_001322489.2:c.815G>T; c.815G>T, p.Gly272Val (NM_001311345.2, NM_001322487.2, NM_001322489.2); c.1787G>T, p.Gly596Val (NM_001322476.2, NM_001322477.2); c.1688G>T, p.Gly563Val (NM_001322478.2, NM_001322479.2); c.1526G>T, p.Gly509Val (NM_001322480.2, NM_001322481.2); c.1427G>T, p.Gly476Val (NM_001322482.2); c.1418G>T, p.Gly473Val (NM_001322483.2, NM_001322484.2); c.1319G>T, p.Gly440Val (NM_001322485.2); short protein forms G272V, G440V, G473V, G476V, G509V, G563V, G596V.
Identifiers: ClinVar variation 1341391 (VCV001341391.1), dbSNP rs139951191, ClinGen allele CA212759523.

ClinVar aggregate classification (germline): Uncertain significance (1 of 4 stars; one submission).

Conditions:
Hermansky-Pudlak syndrome (HPS). Also called: ALBINISM WITH HEMORRHAGIC DIATHESIS AND PIGMENTED RETICULOENDOTHELIAL CELLS. Identifiers: Orphanet 79430, MedGen C0079504, MONDO:0019312.

Allele frequency attached by ClinVar (database versions not stated): gnomAD exomes below 0.00001; gnomAD 0.00001; TOPMed 0.00002.
gnomAD v4.1: 2 of 1,613,954 alleles (0.00012%); highest among the groups gnomAD compares: African/African-American, 0.0027%; no homozygotes.

Submission:

Broad Center for Mendelian Genomics, Broad Institute of MIT and Harvard
Classification: Uncertain significance for Hermansky-Pudlak syndrome. Last evaluated: 2021-11-29. Review status: criteria provided, single submitter. Criteria: ACMG Guidelines, 2015. Collection method: curation. Allele origin: germline. Inheritance: Autosomal recessive inheritance.
Comment: The p.Gly596Val variant in HPS1 has been reported in 1 individual, in the compound heterozygous state, with Hermansky-Pudlak syndrome (PMID: 31141302) and has been identified in 0.006% (1/16198) of African/African-American chromosomes by the Genome Aggregation Database (gnomAD; dbSNP ID: rs139951191). Although this variant has been seen in the general population in a heterozygous state, its frequency is low enough to be consistent with a recessive carrier frequency. Computational prediction tools and conservation analyses suggest that this variant may impact the protein, though this information is not predictive enough to determine pathogenicity. In summary, while there is some suspicion for a pathogenic role, the clinical significance of this variant is uncertain. ACMG/AMP Criteria applied: PM2_supporting, PM3, PP3 (Richards 2015).